The following is an entry in ClinVar:

ClinVar aggregate classification (germline): Pathogenic/Likely pathogenic. Review status: criteria provided, multiple submitters, no conflicts (2 of 4 stars). 2 submissions from 2 submitters: Pathogenic (1); Likely pathogenic (1). Last evaluated 2024-01-08.

Conditions:
RHO-related disorder. Also called: RHO-related condition.

Submissions (2):

Labcorp Genetics (formerly Invitae), Labcorp
Classification: Pathogenic. Last evaluated: 2024-01-08. Review status: criteria provided, single submitter. Criteria: Invitae Variant Classification Sherloc (09022015). Collection method: clinical testing. Allele origin: germline.
Comment: This sequence change replaces leucine, which is neutral and non-polar, with histidine, which is basic and polar, at codon 59 of the RHO protein (p.Leu59His). This variant is not present in population databases (gnomAD no frequency). This missense change has been observed in individuals with clinical features of autosomal dominant retinitis pigmentosa (PMID: 28559085; Invitae). ClinVar contains an entry for this variant (Variation ID: 1473245). Advanced modeling of protein sequence and biophysical properties (such as structural, functional, and spatial information, amino acid conservation, physicochemical variation, residue mobility, and thermodynamic stability) performed at Invitae indicates that this missense variant is expected to disrupt RHO protein function with a positive predictive value of 80%. For these reasons, this variant has been classified as Pathogenic.

Blueprint Genetics
Classification: Likely pathogenic for RHO-related disorders. Last evaluated: 2021-06-14. Review status: criteria provided, single submitter. Criteria: ACMG Guidelines, 2015. Collection method: clinical testing. Allele origin: germline. Affected: yes. Observed: 4 variant alleles.

Literature cited by the submitters: PubMed 28559085 (cited by Labcorp Genetics (formerly Invitae), Labcorp).

NM_000539.3(RHO):c.176T>A (p.Leu59His)

Gene: RHO (rhodopsin; plus strand). Cytogenetic location: 3q22.1.
Variant type: single nucleotide variant.
Coding change: c.176T>A on transcript NM_000539.3 (MANE Select); coding-DNA position 176, T replaced by A.
Protein change: p.Leu59His; replaces leucine 59 with histidine.
Molecular consequence: missense variant.
Genome position (GRCh38, 1-based): chr3:129,528,909, T>A. VCF-style: chr3-129528909-T-A. GRCh37 (hg19) VCF-style: chr3-129247752-T-A.
Other names: short protein forms L59H.
Identifiers: ClinVar variation 1473245 (VCV001473245.7), dbSNP rs2108749238, ClinGen allele CA354496057.